The following is an entry in ClinVar:

NM_006755.2(TALDO1):c.55A>C (p.Lys19Gln)

Gene: TALDO1 (transaldolase 1; plus strand). Cytogenetic location: 11p15.5.
Variant type: single nucleotide variant.
Coding change: c.55A>C on transcript NM_006755.2 (MANE Select); coding-DNA position 55, A replaced by C.
Protein change: p.Lys19Gln; replaces lysine 19 with glutamine.
Molecular consequence: missense variant.
Genome position (GRCh38, 1-based): chr11:747,536, A>C. VCF-style: chr11-747536-A-C. GRCh37 (hg19) VCF-style: chr11-747536-A-C.
Other names: short protein forms K19Q.
Identifiers: ClinVar variation 735899 (VCV000735899.12), dbSNP rs138232181, ClinGen allele CA5787989.

ClinVar aggregate classification (germline): Conflicting classifications of pathogenicity. Review status: criteria provided, conflicting classifications (1 of 4 stars). 3 submissions from 3 submitters: Uncertain significance (1); Likely benign (1). 1 of the submissions does not count toward it. Last evaluated 2025-11-22.

Conditions:
TALDO1-related disorder. Also called: TALDO1-related condition.
Inborn genetic diseases. Identifiers: MedGen C0950123, MeSH D030342.

Allele frequency attached by ClinVar (database versions not stated): gnomAD exomes 0.00010 and 0.00018; ExAC 0.00040; ESP Exome Variant Server 0.00077; TOPMed 0.00099; gnomAD 0.00100 and 0.00106; 1000 Genomes Project 0.00120; 1000 Genomes Project 30x 0.00125.
gnomAD v4.1: 302 of 1,599,054 alleles (0.019%); highest among the groups gnomAD compares: African/African-American, 0.35%; no homozygotes.

Submissions (3):

Labcorp Genetics (formerly Invitae), Labcorp
Classification: Likely benign. Last evaluated: 2025-11-22. Review status: criteria provided, single submitter. Criteria: Invitae Variant Classification Sherloc (09022015). Collection method: clinical testing. Allele origin: germline.

Ambry Genetics
Classification: Uncertain significance for Inborn genetic diseases. Last evaluated: 2021-07-09. Review status: criteria provided, single submitter. Criteria: Ambry Variant Classification Scheme 2023. Collection method: clinical testing. Allele origin: germline.

PreventionGenetics, part of Exact Sciences
Classification: Likely benign for TALDO1-related condition. Last evaluated: 2022-05-04. Review status: no assertion criteria provided. Collection method: clinical testing. Allele origin: germline. Not counted in ClinVar's aggregate classification.
Comment: This variant is classified as likely benign based on ACMG/AMP sequence variant interpretation guidelines (Richards et al. 2015 PMID: 25741868, with internal and published modifications).